The following is an entry in ClinVar:

ClinVar aggregate classification (germline): Uncertain significance (1 of 4 stars; one submission).

Conditions:
Combined oxidative phosphorylation defect type 27. Also called: Combined oxidative phosphorylation deficiency 27. Identifiers: Orphanet 477774, MedGen C5567608, MONDO:0014728, OMIM 616672.

Allele frequency attached by ClinVar (database versions not stated): TOPMed below 0.00001.
gnomAD v4.1: 10 of 1,613,320 alleles (0.00062%); highest among the groups gnomAD compares: Non-Finnish European, 0.00085%; no homozygotes.

Submission:

Labcorp Genetics (formerly Invitae), Labcorp
Classification: Uncertain significance for Combined oxidative phosphorylation defect type 27. Last evaluated: 2019-12-03. Review status: criteria provided, single submitter. Criteria: Invitae Variant Classification Sherloc (09022015). Collection method: clinical testing. Allele origin: germline.
Comment: This sequence change replaces lysine with glutamic acid at codon 333 of the CARS2 protein (p.Lys333Glu). The lysine residue is highly conserved and there is a small physicochemical difference between lysine and glutamic acid. This variant is not present in population databases (ExAC no frequency). This variant has not been reported in the literature in individuals with CARS2-related conditions. Algorithms developed to predict the effect of missense changes on protein structure and function (SIFT, PolyPhen-2, Align-GVGD) all suggest that this variant is likely to be tolerated, but these predictions have not been confirmed by published functional studies and their clinical significance is uncertain. In summary, the available evidence is currently insufficient to determine the role of this variant in disease. Therefore, it has been classified as a Variant of Uncertain Significance.

NM_024537.4(CARS2):c.997A>G (p.Lys333Glu)

Gene: CARS2 (cysteinyl-tRNA synthetase 2, mitochondrial; minus strand). Cytogenetic location: 13q34.
Variant type: single nucleotide variant.
Coding change: c.997A>G on transcript NM_024537.4 (MANE Select); coding-DNA position 997, A replaced by G.
Protein change: p.Lys333Glu; replaces lysine 333 with glutamic acid.
Molecular consequence: missense variant. On other transcripts: non-coding transcript variant (2).
Genome position (GRCh38, 1-based): chr13:110,651,091, T>C on the plus strand (A>G on the coding strand, the complement: CARS2 is on the minus strand). VCF-style: chr13-110651091-T-C. GRCh37 (hg19) VCF-style: chr13-111303438-T-C.
Other names: c.211A>G, p.Lys71Glu (NM_001352252.2); short protein forms K333E, K71E.
Identifiers: ClinVar variation 841643 (VCV000841643.9), dbSNP rs2062198993, ClinGen allele CA388745132.